The following is an entry in ClinVar:

ClinVar aggregate classification (germline): Uncertain significance (1 of 4 stars; one submission).

Conditions:
Fetal anomalies with a likely genetic cause.

Submission:

Genetics Laboratory, Great Ormond Street Hospital NHS Foundation Trust, North Thames Genomic Laboratory Hub
Classification: Uncertain significance for Fetal anomalies with a likely genetic cause. Last evaluated: 2026-09-05. Review status: criteria provided, single submitter. Criteria: ACGS Best Practice Guidelines for Variant Classification in Rare Disease 2024 v1.2. Collection method: clinical testing. Allele origin: germline. Affected: yes.
Comment: PM2_moderate, PM4_moderate

NM_005430.4(WNT1):c.534_545del (p.Leu179_Arg182del)

Gene: WNT1 (Wnt family member 1; plus strand). Cytogenetic location: 12q13.12.
Variant type: Deletion.
Coding change: c.534_545del on transcript NM_005430.4 (MANE Select); coding-DNA positions 534 to 545, 12 bases deleted (CCTCTTCGGCCG).
Protein change: p.Leu179_Arg182del.
Molecular consequence: inframe deletion.
Genome position (GRCh38, 1-based): chr12:48,980,599-48,980,610, CCTCTTCGGCCG deleted; deleting any 12 consecutive bases within chr12:48,980,590-48,980,610 gives the same sequence; the c. name uses the placement nearest the transcript's 3' end. VCF-style (leftmost placement, unchanged base first): chr12-48980589-ACTTCGGCCGCCT-A. GRCh37 (hg19) VCF-style: chr12-49374372-ACTTCGGCCGCCT-A.
Identifiers: ClinVar variation 5041967 (VCV005041967.1).